The following is an entry in ClinVar:

NM_000077.5(CDKN2A):c.38C>A (p.Ala13Asp)

Gene: CDKN2A (cyclin dependent kinase inhibitor 2A; minus strand). Cytogenetic location: 9p21.3.
Variant type: single nucleotide variant.
Coding change: c.38C>A on transcript NM_000077.5; coding-DNA position 38, C replaced by A.
Protein change: p.Ala13Asp; replaces alanine 13 with aspartic acid.
Molecular consequence: missense variant (on NM_000077.6). On other transcripts: intron variant (2).
Genome position (GRCh38, 1-based): chr9:21,974,790, G>T on the plus strand (C>A on the coding strand, the complement: CDKN2A is on the minus strand). VCF-style: chr9-21974790-G-T. GRCh37 (hg19) VCF-style: chr9-21974789-G-T.
Other names: c.38C>A, p.Ala13Asp (NM_000077.6, NM_001195132.2, NM_058197.5); c.-3-3582C>A (NM_001363763.2); c.194-3582C>A (NM_058195.4); short protein forms A13D.
Identifiers: ClinVar variation 483348 (VCV000483348.13), dbSNP rs745612549, ClinGen allele CA373086670.

ClinVar aggregate classification (germline): Uncertain significance. Review status: criteria provided, multiple submitters, no conflicts (2 of 4 stars). 3 submissions from 3 submitters: Uncertain significance (3). Last evaluated 2025-03-25.

Conditions:
Hereditary cancer-predisposing syndrome. Also called: Tumor predisposition; Hereditary Cancer Syndrome; Neoplastic Syndromes, Hereditary; Hereditary neoplastic syndrome. Identifiers: Orphanet 140162, MedGen C0027672, MeSH D009386, MONDO:0015356.
Familial melanoma. Also called: Hereditary melanoma; Hereditary cutaneous melanoma. Identifiers: Orphanet 618, MedGen C1512419, MONDO:0018961.

gnomAD v4.1: 2 of 1,607,460 alleles (0.00012%); highest among the groups gnomAD compares: East Asian, 0.0045%; no homozygotes.

Submissions (3):

Labcorp Genetics (formerly Invitae), Labcorp
Classification: Uncertain significance for Familial melanoma. Last evaluated: 2025-03-25. Review status: criteria provided, single submitter. Criteria: Invitae Variant Classification Sherloc (09022015). Collection method: clinical testing. Allele origin: germline.
Comment: This sequence change replaces alanine, which is neutral and non-polar, with aspartic acid, which is acidic and polar, at codon 13 of the CDKN2A (p16INK4a) protein (p.Ala13Asp). This variant is present in population databases (no rsID available, gnomAD 0.01%). This variant has not been reported in the literature in individuals affected with CDKN2A (p16INK4a)-related conditions. ClinVar contains an entry for this variant (Variation ID: 483348). An algorithm developed to predict the effect of missense changes on protein structure and function (PolyPhen-2) suggests that this variant is likely to be disruptive. In summary, the available evidence is currently insufficient to determine the role of this variant in disease. Therefore, it has been classified as a Variant of Uncertain Significance.

Ambry Genetics
Classification: Uncertain significance for Hereditary cancer-predisposing syndrome. Last evaluated: 2024-06-13. Review status: criteria provided, single submitter. Criteria: Ambry Variant Classification Scheme 2023. Collection method: clinical testing. Allele origin: germline.
Comment: The p.A13D variant (also known as c.38C>A), located in coding exon 1 of the CDKN2A gene, results from a C to A substitution at nucleotide position 38. The alanine at codon 13 is replaced by aspartic acid, an amino acid with dissimilar properties. This amino acid position is well conserved in available vertebrate species. In addition, this alteration is predicted to be tolerated by in silico analysis. Based on the available evidence, the clinical significance of this variant remains unclear.

Color Diagnostics, LLC DBA Color Health
Classification: Uncertain significance for Hereditary cancer-predisposing syndrome. Last evaluated: 2018-09-02. Review status: criteria provided, single submitter. Criteria: ACMG Guidelines, 2015. Collection method: clinical testing. Allele origin: germline.